The following is an entry in ClinVar:

ClinVar aggregate classification (germline): Likely benign (1 of 4 stars; one submission).

gnomAD v4.1: 11 of 1,614,126 alleles (0.00068%); highest among the groups gnomAD compares: Non-Finnish European, 0.00093%; no homozygotes.

Submission:

CeGaT Center for Human Genetics Tuebingen
Classification: Likely benign. Last evaluated: 2026-03-01. Review status: criteria provided, single submitter. Criteria: CeGaT Center For Human Genetics Tuebingen Variant Classification Criteria Version 2. Collection method: clinical testing. Allele origin: germline. Affected: yes. Observed: 1 variant allele.
Comment: TTI1: BP4, BP7

NM_001303457.2(TTI1):c.2004T>C (p.Ser668=)

Gene: TTI1 (TELO2 interacting protein 1; minus strand). Cytogenetic location: 20q11.23.
Variant type: single nucleotide variant.
Coding change: c.2004T>C on transcript NM_001303457.2 (MANE Select); coding-DNA position 2004, T replaced by C.
Protein change: p.Ser668=; no amino-acid change (serine 668 retained).
Molecular consequence: synonymous variant.
Genome position (GRCh38, 1-based): chr20:38,011,813, A>G on the plus strand (T>C on the coding strand, the complement: TTI1 is on the minus strand). VCF-style: chr20-38011813-A-G. GRCh37 (hg19) VCF-style: chr20-36640215-A-G.
Other names: c.2004T>C, p.Ser668= (NM_014657.3).
Identifiers: ClinVar variation 4822664 (VCV004822664.4).